The following is an entry in ClinVar:

ClinVar aggregate classification (germline): Conflicting classifications of pathogenicity. Review status: criteria provided, conflicting classifications (1 of 4 stars). 2 submissions from 2 submitters: Uncertain significance (1); Likely benign (1). Last evaluated 2024-09-02.

Conditions:
Early-onset Lafora body disease. Also called: Epilepsy, progressive myoclonic, 10. Identifiers: Orphanet 324290, MedGen C4225258, MONDO:0014717, OMIM 616640.

Submissions (2):

Blueprint Genetics
Classification: Likely benign. Last evaluated: 2024-09-02. Review status: criteria provided, single submitter. Criteria: ACMG Guidelines, 2015. Collection method: clinical testing. Allele origin: germline.

Labcorp Genetics (formerly Invitae), Labcorp
Classification: Uncertain significance for Early-onset Lafora body disease. Last evaluated: 2022-10-25. Review status: criteria provided, single submitter. Criteria: Invitae Variant Classification Sherloc (09022015). Collection method: clinical testing. Allele origin: germline.
Comment: This variant, c.649_651dup, results in the insertion of 1 amino acid(s) of the PRDM8 protein (p.Gln217dup), but otherwise preserves the integrity of the reading frame. This variant is present in population databases (rs769916001, gnomAD 0.08%), and has an allele count higher than expected for a pathogenic variant. This variant has not been reported in the literature in individuals affected with PRDM8-related conditions. ClinVar contains an entry for this variant (Variation ID: 475682). Experimental studies and prediction algorithms are not available or were not evaluated, and the functional significance of this variant is currently unknown. In summary, the available evidence is currently insufficient to determine the role of this variant in disease. Therefore, it has been classified as a Variant of Uncertain Significance.

NM_001099403.2(PRDM8):c.634CAG[7] (p.Gln217dup)

Gene: PRDM8 (PR/SET domain 8; plus strand). Cytogenetic location: 4q21.21.
Variant type: Microsatellite.
Coding change: c.634CAG[7] on transcript NM_001099403.2 (MANE Select); seven copies in a row of the 3-base unit CAG starting at c.634; the reference has six copies in a row; one copy, 3 bases duplicated.
Protein change: p.Gln217dup; duplicates glutamine 217.
Molecular consequence: inframe insertion.
Genome position (GRCh38, 1-based): chr4:80,202,111-80,202,113, CAG duplicated; duplicating any 3 consecutive bases within chr4:80,202,096-80,202,113 gives the same sequence; the position shown is the placement nearest the transcript's 3' end. VCF-style (leftmost placement, unchanged base first): chr4-80202095-C-CCAG. GRCh37 (hg19) VCF-style: chr4-81123249-C-CCAG.
Other names: c.649_651dup (NM_020226.3); c.634CAG[7], p.Gln217dup (NM_020226.4).
Identifiers: ClinVar variation 475682 (VCV000475682.8), dbSNP rs748593482, ClinGen allele CA2982292.